The following is an entry in ClinVar:

NM_018051.5(DYNC2I1):c.1726G>A (p.Asp576Asn)

Gene: DYNC2I1 (dynein 2 intermediate chain 1; plus strand). Cytogenetic location: 7q36.3.
Variant type: single nucleotide variant.
Coding change: c.1726G>A on transcript NM_018051.5 (MANE Select); coding-DNA position 1726, G replaced by A.
Protein change: p.Asp576Asn; replaces aspartic acid 576 with asparagine.
Molecular consequence: missense variant.
Genome position (GRCh38, 1-based): chr7:158,914,256, G>A. VCF-style: chr7-158914256-G-A. GRCh37 (hg19) VCF-style: chr7-158706947-G-A.
Other names: c.1588G>A, p.Asp530Asn (NM_001350914.2); c.1153G>A, p.Asp385Asn (NM_001350915.2); c.265G>A, p.Asp89Asn (NM_001350916.2); c.478G>A, p.Asp160Asn (NM_001350917.2, NM_001350918.2); c.1726G>A (NM_018051.4); short protein forms D160N, D385N, D530N, D576N, D89N.
Identifiers: ClinVar variation 1680690 (VCV001680690.6), dbSNP rs201190743, ClinGen allele CA4594744.
Genomic context (GRCh38, chr7:158,914,256, plus strand): 5'-TCGACTTCGTTGATTTTATATAAACTGTTTTTTTTAGGCAGTGAACAAAGAGATACCTCT[G>A]ATGCTGTAGTTATGCCAAAGATTGATACTCCAAGGTTATGTAGCTTTCTGCGGGCTGCTT-3'
Protein context (NP_060521.4, residues 566-586): SGGSEQRDTS[Asp576Asn]AVVMPKIDTP

ClinVar aggregate classification (germline): Uncertain significance. Review status: criteria provided, multiple submitters, no conflicts (2 of 4 stars). 2 submissions from 2 submitters: Uncertain significance (2). Last evaluated 2025-08-20.

Conditions:
Short-rib thoracic dysplasia 8 with or without polydactyly (SRTD8). Also called: SHORT-RIB THORACIC DYSPLASIA 8 WITH POLYDACTYLY. Identifiers: Orphanet 93271, MedGen C3809691, MONDO:0014214, OMIM 615503.
Inborn genetic diseases. Identifiers: MedGen C0950123, MeSH D030342.

Allele frequency attached by ClinVar (database versions not stated): gnomAD exomes 0.00010; ExAC 0.00014; gnomAD 0.00019 and 0.00023; ESP Exome Variant Server 0.00025; TOPMed 0.00025; 1000 Genomes Project 0.00120; 1000 Genomes Project 30x 0.00141.
gnomAD v4.1: 60 of 1,612,440 alleles (0.0037%); highest among the groups gnomAD compares: African/African-American, 0.068%; 1 homozygote.

Submissions (2):

Ambry Genetics
Classification: Uncertain significance for Inborn genetic diseases. Last evaluated: 2025-08-20. Review status: criteria provided, single submitter. Criteria: Ambry Variant Classification Scheme 2023. Collection method: clinical testing. Allele origin: germline.

Labcorp Genetics (formerly Invitae), Labcorp
Classification: Uncertain significance for Short-rib thoracic dysplasia 8 with or without polydactyly. Last evaluated: 2021-08-26. Review status: criteria provided, single submitter. Criteria: Invitae Variant Classification Sherloc (09022015). Collection method: clinical testing. Allele origin: germline.
Comment: This sequence change replaces aspartic acid with asparagine at codon 576 of the WDR60 protein (p.Asp576Asn). The aspartic acid residue is weakly conserved and there is a small physicochemical difference between aspartic acid and asparagine. This variant is present in population databases (rs201190743, ExAC 0.1%), including at least one homozygous and/or hemizygous individual. This variant has not been reported in the literature in individuals affected with WDR60-related conditions. Algorithms developed to predict the effect of missense changes on protein structure and function are either unavailable or do not agree on the potential impact of this missense change (SIFT: "Tolerated"; PolyPhen-2: "Possibly Damaging"; Align-GVGD: "Class C0"). In summary, the available evidence is currently insufficient to determine the role of this variant in disease. Therefore, it has been classified as a Variant of Uncertain Significance.